The following is an entry in ClinVar:

NM_018975.4(TERF2IP):c.920C>G (p.Ser307Cys)

Gene: TERF2IP (TERF2 interacting protein; plus strand). Cytogenetic location: 16q23.1.
Variant type: single nucleotide variant.
Coding change: c.920C>G on transcript NM_018975.4 (MANE Select); coding-DNA position 920, C replaced by G.
Protein change: p.Ser307Cys; replaces serine 307 with cysteine.
Molecular consequence: missense variant. On other transcripts: non-coding transcript variant (1).
Genome position (GRCh38, 1-based): chr16:75,656,331, C>G. VCF-style: chr16-75656331-C-G. GRCh37 (hg19) VCF-style: chr16-75690229-C-G.
Other names: short protein forms S307C.
Identifiers: ClinVar variation 4734462 (VCV004734462.1).

ClinVar aggregate classification (germline): Uncertain significance (1 of 4 stars; one submission).

Submission:

Labcorp Genetics (formerly Invitae), Labcorp
Classification: Uncertain significance. Last evaluated: 2025-12-30. Review status: criteria provided, single submitter. Criteria: Invitae Variant Classification Sherloc (09022015). Collection method: clinical testing. Allele origin: germline.
Comment: This sequence change replaces serine, which is neutral and polar, with cysteine, which is neutral and slightly polar, at codon 307 of the TERF2IP protein (p.Ser307Cys). This variant is not present in population databases (gnomAD no frequency). This variant has not been reported in the literature in individuals affected with TERF2IP-related conditions. An algorithm developed to predict the effect of missense changes on protein structure and function (PolyPhen-2) suggests that this variant is likely to be disruptive. In summary, the available evidence is currently insufficient to determine the role of this variant in disease. Therefore, it has been classified as a Variant of Uncertain Significance.